The following is an entry in ClinVar:

NM_013275.6(ANKRD11):c.7834G>T (p.Glu2612Ter)

Gene: ANKRD11 (ankyrin repeat domain 11; minus strand). Cytogenetic location: 16q24.3.
Variant type: single nucleotide variant.
Coding change: c.7834G>T on transcript NM_013275.6 (MANE Select); coding-DNA position 7834, G replaced by T.
Protein change: p.Glu2612Ter; replaces glutamic acid 2612 with a stop codon.
Molecular consequence: nonsense.
Genome position (GRCh38, 1-based): chr16:89,268,636, C>A on the plus strand (G>T on the coding strand, the complement: ANKRD11 is on the minus strand). VCF-style: chr16-89268636-C-A. GRCh37 (hg19) VCF-style: chr16-89335044-C-A.
Other names: c.7834G>T (NM_013275.5); c.7834G>T, p.Glu2612Ter (NM_001256182.2, NM_001256183.2); short protein forms E2612*.
Identifiers: ClinVar variation 3543590 (VCV003543590.3).

ClinVar aggregate classification (germline): Conflicting classifications of pathogenicity. Review status: criteria provided, conflicting classifications (1 of 4 stars). 2 submissions from 2 submitters: Likely pathogenic (1); Uncertain significance (1). Last evaluated 2026-01-18.

Conditions:
Inborn genetic diseases. Identifiers: MedGen C0950123, MeSH D030342.

Submissions (2):

GeneDx
Classification: Likely pathogenic. Last evaluated: 2026-01-18. Review status: criteria provided, single submitter. Criteria: GeneDx Variant Classification Process June 2021. Collection method: clinical testing. Allele origin: germline.
Comment: Nonsense variant predicted to result in protein truncation, as the last 52 amino acids are lost, and other loss-of-function variants have been reported downstream; Not observed at significant frequency in large population cohorts (gnomAD); This variant is associated with the following publications: (PMID: 36446582)

Ambry Genetics
Classification: Uncertain significance for Inborn genetic diseases. Last evaluated: 2024-09-24. Review status: criteria provided, single submitter. Criteria: Ambry Variant Classification Scheme 2023. Collection method: clinical testing. Allele origin: germline.
Comment: The c.7834G>T (p.E2612*) alteration, located in exon 13 (coding exon 11) of the ANKRD11 gene, consists of a G to T substitution at nucleotide position 7834. This changes the amino acid from a glutamic acid (E) to a stop codon at amino acid position 2612. This alteration occurs at the 3' terminus of the ANKRD11 gene, is not expected to trigger nonsense-mediated mRNA decay, and only impacts the last 2% of the protein. The exact functional effect of this alteration is unknown. This variant was not reported in population-based cohorts in the Genome Aggregation Database (gnomAD). This variant was reported in an individual with a history of motor delay, intellectual disability, hearing loss, recurrent otitis media, astigmatism, feeding difficulties, microcephaly, clinodactyly, low anterior hairline, triangular face, thin upper lip, long philtrum, and hyperteloris (Martinez-Cayuelas, 2023). Based on insufficient or conflicting evidence, the clinical significance of this alteration remains unclear.

Literature cited by the submitters: PubMed 36446582 (cited by Ambry Genetics).